The following is an entry in ClinVar:

NM_001440.4(EXTL3):c.1181T>G (p.Val394Gly)

Gene: EXTL3 (exostosin like glycosyltransferase 3; plus strand). Cytogenetic location: 8p21.1.
Variant type: single nucleotide variant.
Coding change: c.1181T>G on transcript NM_001440.4 (MANE Select); coding-DNA position 1181, T replaced by G.
Protein change: p.Val394Gly; replaces valine 394 with glycine.
Molecular consequence: missense variant.
Genome position (GRCh38, 1-based): chr8:28,717,240, T>G. VCF-style: chr8-28717240-T-G. GRCh37 (hg19) VCF-style: chr8-28574757-T-G.
Other names: short protein forms V394G.
Identifiers: ClinVar variation 1941411 (VCV001941411.5), dbSNP rs1247127724, ClinGen allele CA370858599.

ClinVar aggregate classification (germline): Uncertain significance (1 of 4 stars; one submission).

Allele frequency attached by ClinVar (database versions not stated): gnomAD exomes below 0.00001.
gnomAD v4.1: 5 of 1,614,170 alleles (0.00031%); highest among the groups gnomAD compares: Non-Finnish European, 0.00042%; no homozygotes.

Submission:

Labcorp Genetics (formerly Invitae), Labcorp
Classification: Uncertain significance. Last evaluated: 2022-03-27. Review status: criteria provided, single submitter. Criteria: Invitae Variant Classification Sherloc (09022015). Collection method: clinical testing. Allele origin: germline.
Comment: This sequence change replaces valine, which is neutral and non-polar, with glycine, which is neutral and non-polar, at codon 394 of the EXTL3 protein (p.Val394Gly). This variant is present in population databases (no rsID available, gnomAD 0.002%). This variant has not been reported in the literature in individuals affected with EXTL3-related conditions. Algorithms developed to predict the effect of missense changes on protein structure and function (SIFT, PolyPhen-2, Align-GVGD) all suggest that this variant is likely to be disruptive. In summary, the available evidence is currently insufficient to determine the role of this variant in disease. Therefore, it has been classified as a Variant of Uncertain Significance.